The following is an entry in ClinVar:

NM_002860.4(ALDH18A1):c.1474G>A (p.Ala492Thr)

Gene: ALDH18A1 (aldehyde dehydrogenase 18 family member A1; minus strand). Cytogenetic location: 10q24.1.
Variant type: single nucleotide variant.
Coding change: c.1474G>A on transcript NM_002860.4 (MANE Select); coding-DNA position 1474, G replaced by A.
Protein change: p.Ala492Thr; replaces alanine 492 with threonine.
Molecular consequence: missense variant.
Genome position (GRCh38, 1-based): chr10:95,616,608, C>T on the plus strand (G>A on the coding strand, the complement: ALDH18A1 is on the minus strand). VCF-style: chr10-95616608-C-T. GRCh37 (hg19) VCF-style: chr10-97376365-C-T.
Other names: c.1468G>A, p.Ala490Thr (NM_001017423.2, NM_001323415.2); c.1141G>A, p.Ala381Thr (NM_001323412.2, NM_001323416.2); c.1474G>A, p.Ala492Thr (NM_001323413.2, NM_001323414.2); c.1369G>A, p.Ala457Thr (NM_001323417.2); c.1135G>A, p.Ala379Thr (NM_001323418.2); c.838G>A, p.Ala280Thr (NM_001323419.2); short protein forms A381T, A492T, A379T, A457T, A490T, A280T.
Identifiers: ClinVar variation 1363818 (VCV001363818.8), dbSNP rs2139552444, ClinGen allele CA377701204.

ClinVar aggregate classification (germline): Uncertain significance (1 of 4 stars; one submission).

Conditions:
Cutis laxa, autosomal dominant 3 (ADCL3). Identifiers: Orphanet 90348, MedGen C4225268, MONDO:0014706, OMIM 616603.
de Barsy syndrome. Also called: Cutis laxa-corneal clouding-oligophrenia syndrome. Identifiers: Orphanet 2962, MedGen C0268354, MONDO:0017569.
Autosomal dominant spastic paraplegia type 9. Identifiers: MedGen C1832669, MONDO:0015091.

Allele frequency attached by ClinVar (database versions not stated): gnomAD exomes below 0.00001.
gnomAD v4.1: 5 of 1,606,266 alleles (0.00031%); highest among the groups gnomAD compares: Non-Finnish European, 0.00043%; no homozygotes.

Submission:

Labcorp Genetics (formerly Invitae), Labcorp
Classification: Uncertain significance for Autosomal dominant spastic paraplegia type 9; de Barsy syndrome; Cutis laxa, autosomal dominant 3. Last evaluated: 2024-08-13. Review status: criteria provided, single submitter. Criteria: Invitae Variant Classification Sherloc (09022015). Collection method: clinical testing. Allele origin: germline.
Comment: This sequence change replaces alanine, which is neutral and non-polar, with threonine, which is neutral and polar, at codon 492 of the ALDH18A1 protein (p.Ala492Thr). This variant is not present in population databases (gnomAD no frequency). This variant has not been reported in the literature in individuals affected with ALDH18A1-related conditions. ClinVar contains an entry for this variant (Variation ID: 1363818). Advanced modeling of protein sequence and biophysical properties (such as structural, functional, and spatial information, amino acid conservation, physicochemical variation, residue mobility, and thermodynamic stability) has been performed at Invitae for this missense variant, however the output from this modeling did not meet the statistical confidence thresholds required to predict the impact of this variant on ALDH18A1 protein function. In summary, the available evidence is currently insufficient to determine the role of this variant in disease. Therefore, it has been classified as a Variant of Uncertain Significance.